The following is an entry in ClinVar:

NM_004656.4(BAP1):c.900G>A (p.Arg300=)

Gene: BAP1 (BRCA1 associated deubiquitinase 1; minus strand). Cytogenetic location: 3p21.1.
Variant type: single nucleotide variant.
Coding change: c.900G>A on transcript NM_004656.4 (MANE Select); coding-DNA position 900, G replaced by A.
Protein change: p.Arg300=; no amino-acid change (arginine 300 retained).
Molecular consequence: synonymous variant.
Genome position (GRCh38, 1-based): chr3:52,405,796, C>T on the plus strand (G>A on the coding strand, the complement: BAP1 is on the minus strand). VCF-style: chr3-52405796-C-T. GRCh37 (hg19) VCF-style: chr3-52439812-C-T.
Identifiers: ClinVar variation 490900 (VCV000490900.14), dbSNP rs752480391, ClinGen allele CA2436977.
Genomic context (GRCh38, chr3:52,405,796, plus strand): 5'-TCCACAAGAGGTCCCAAACCCCCCAGTACCTGTGTGGTTGCCCTCAGAGGCTGCAGGGGC[C>T]CTGTTTGCTTCCAGCACCAGCGGGGACTTGTTGCTGGCTGACTTGGACTCCTCAGGCAGC-3'
Protein context (NP_004647.1, residues 290-310): NKSPLVLEAN[Arg300=]APAASEGNHT

ClinVar aggregate classification (germline): Benign/Likely benign. Review status: criteria provided, multiple submitters, no conflicts (2 of 4 stars). 5 submissions from 5 submitters: Benign (1); Likely benign (4). Last evaluated 2026-09-11.

Conditions:
BAP1-related disorder. Also called: BAP1-related condition.
Hereditary cancer-predisposing syndrome. Also called: Neoplastic Syndromes, Hereditary; Hereditary Cancer Syndrome; Tumor predisposition; Hereditary neoplastic syndrome. Identifiers: Orphanet 140162, MedGen C0027672, MeSH D009386, MONDO:0015356.
BAP1-related tumor predisposition syndrome (TPDS1). Also called: Tumor susceptibility linked to germline BAP1 mutations; COMMON Syndrome; BAP1 tumor predisposition syndrome; TUMOR PREDISPOSITION SYNDROME 1. Identifiers: Orphanet 289539, MedGen C3280492, MONDO:0013692, OMIM 614327.

Allele frequency attached by ClinVar (database versions not stated): gnomAD exomes 0.00001 and 0.00002; ExAC 0.00002; gnomAD 0.00002; TOPMed 0.00002.
gnomAD v4.1: 21 of 1,613,594 alleles (0.0013%); highest among the groups gnomAD compares: Non-Finnish European, 0.0015%; no homozygotes.

Submissions (5):

PreventionGenetics, part of Exact Sciences
Classification: Likely benign for BAP1-related condition. Last evaluated: 2026-09-11. Review status: criteria provided, single submitter. Criteria: ACMG Guidelines, 2015. Collection method: clinical testing. Allele origin: germline.
Comment: This variant is classified as likely benign based on ACMG/AMP sequence variant interpretation guidelines (Richards et al. 2015 PMID: 25741868, with internal and published modifications).

Labcorp Genetics (formerly Invitae), Labcorp
Classification: Likely benign for BAP1-related tumor predisposition syndrome. Last evaluated: 2025-12-22. Review status: criteria provided, single submitter. Criteria: Invitae Variant Classification Sherloc (09022015). Collection method: clinical testing. Allele origin: germline.

Myriad Genetics, Inc.
Classification: Benign for BAP1-related tumor predisposition syndrome. Last evaluated: 2024-07-15. Review status: criteria provided, single submitter. Criteria: Myriad Autosomal Dominant, Autosomal Recessive and X-Linked Classification Criteria (2023). Collection method: clinical testing. Allele origin: unknown.
Comment: This variant is considered benign. This variant is a silent/synonymous amino acid change and it is not expected to impact splicing.

Ambry Genetics
Classification: Likely benign for Hereditary cancer-predisposing syndrome. Last evaluated: 2020-06-16. Review status: criteria provided, single submitter. Criteria: Ambry Variant Classification Scheme 2023. Collection method: clinical testing. Allele origin: germline.

Color Diagnostics, LLC DBA Color Health
Classification: Likely benign for Hereditary cancer-predisposing syndrome. Last evaluated: 2017-07-13. Review status: criteria provided, single submitter. Criteria: ACMG Guidelines, 2015. Collection method: clinical testing. Allele origin: germline.